The following is an entry in ClinVar:

NM_007294.4(BRCA1):c.5278-96del

Gene: BRCA1 (BRCA1 DNA repair associated; minus strand). Cytogenetic location: 17q21.31.
Variant type: Deletion.
Coding change: c.5278-96del on transcript NM_007294.4 (MANE Select); 96 bases into the intron before coding-DNA position 5278, one base deleted (G; older notation c.5278-96delG).
Molecular consequence: intron variant.
Genome position (GRCh38, 1-based): chr17:43,051,213, C deleted on the plus strand (G on the coding strand, the reverse complement: BRCA1 is on the minus strand). VCF-style (leftmost placement, unchanged base first): chr17-43051212-TC-T. GRCh37 (hg19) VCF-style: chr17-41203229-TC-T.
Other names: c.5278-96delG (NM_007294.3); c.5275-96del (NM_001407620.1, NM_001407623.1, NM_001407615.1 and 17 more transcripts); c.5278-96del (NM_001407597.1, NM_001407605.1, NM_001407594.1 and 6 more transcripts); c.5344-96del (NM_001407582.1, NM_001407581.1); c.5062-96del (NM_001407917.1, NM_001407918.1, NM_001407915.1 and 1 more transcripts); c.1825-96del (NM_001408462.1, NM_001408458.1, NM_001408461.1 and 7 more transcripts); c.5065-96del (NM_001407902.1, NM_001407897.1, NM_001407908.1 and 12 more transcripts); c.1888-96del (NM_001408414.1, NM_001408415.1, NM_001408412.1 and 2 more transcripts); and 75 more.
Identifiers: ClinVar variation 433730 (VCV000433730.11), dbSNP rs55875201, ClinGen allele CA290819852.
Genomic context (GRCh38, chr17:43,051,212, plus strand): 5'-ATGGAGAGAAGGAAAATCTAGTTATAAAAGAATATTGGCTTTTATTCAAAAAACAGACTT[TC>T]AAAAAGGAAGAGCTTTTCTTTTTCTTCTGTTCACCACCTGATGATTTCTGCTGCTACTTC-3'

ClinVar aggregate classification (germline): Conflicting classifications of pathogenicity. Review status: criteria provided, conflicting classifications (1 of 4 stars). 3 submissions from 3 submitters: Uncertain significance (1); Likely benign (1). 1 of the submissions does not count toward it. Last evaluated 2025-07-31.

Conditions:
Hereditary cancer-predisposing syndrome. Also called: Hereditary Cancer Syndrome; Hereditary neoplastic syndrome; Neoplastic Syndromes, Hereditary; Tumor predisposition. Identifiers: Orphanet 140162, MedGen C0027672, MeSH D009386, MONDO:0015356.
Hereditary breast ovarian cancer syndrome. Also called: Hereditary breast and ovarian cancer syndrome (HBOC); Breast and ovarian cancer; BRCA1- and BRCA2-Associated Hereditary Breast and Ovarian Cancer; Hereditary breast and/or ovarian cancer syndrome; Hereditary breast and ovarian cancer; Hereditary breast and ovarian cancer syndrome. Identifiers: Orphanet 145, MedGen C0677776, MeSH D061325, MONDO:0003582. Disease mechanism: loss of function.

Allele frequency attached by ClinVar (database versions not stated): gnomAD 0.00001 and 0.00006; TOPMed 0.00003; gnomAD exomes 0.00022.

Submissions (3):

Labcorp Genetics (formerly Invitae), Labcorp
Classification: Likely benign for Hereditary breast ovarian cancer syndrome. Last evaluated: 2025-07-31. Review status: criteria provided, single submitter. Criteria: Invitae Variant Classification Sherloc (09022015). Collection method: clinical testing. Allele origin: germline.

Sema4
Classification: Uncertain significance for Hereditary cancer-predisposing syndrome. Last evaluated: 2021-04-14. Review status: criteria provided, single submitter. Criteria: Sema4 Curation Guidelines. Collection method: curation. Allele origin: germline.
Comment: The BRCA1 c.5278-96delG variant has been detected in heterozygosity in at least one individual with a personal and/or family history of hereditary breast and/or ovarian cancer (PMID: 28351343). It was observed in 1/15410 chromosomes of the Non-Finnish European subpopulation in the large and broad cohorts of the Genome Aggregation Database (PMID: 32461654). The variant has been reported in ClinVar (Variation ID: 433730). The evidence is insufficient to meet ACMG/AMP criteria for classifying the variant as benign or pathogenic. Thus, the clinical significance of this variant is currently uncertain.

Department of Pathology and Laboratory Medicine, Sinai Health System
Classification: Likely benign. Review status: no assertion criteria provided. Collection method: clinical testing. Allele origin: unknown. Affected: yes. Observed: 1 variant allele. Study: The Canadian Open Genetics Repository (COGR). Not counted in ClinVar's aggregate classification.

Literature cited by the submitters: PubMed 28351343 (cited by Sema4).